The following is an entry in ClinVar:

NM_016604.4(KDM3B):c.4237C>T (p.Gln1413Ter)

Gene: KDM3B (lysine demethylase 3B; plus strand). Cytogenetic location: 5q31.2.
Variant type: single nucleotide variant.
Coding change: c.4237C>T on transcript NM_016604.4 (MANE Select); coding-DNA position 4237, C replaced by T.
Protein change: p.Gln1413Ter; replaces glutamine 1413 with a stop codon.
Molecular consequence: nonsense.
Genome position (GRCh38, 1-based): chr5:138,424,339, C>T. VCF-style: chr5-138424339-C-T. GRCh37 (hg19) VCF-style: chr5-137760028-C-T.
Other names: short protein forms Q1413*.
Identifiers: ClinVar variation 4879730 (VCV004879730.1).

ClinVar aggregate classification (germline): Pathogenic (1 of 4 stars; one submission).

Conditions:
Diets-Jongmans syndrome. Also called: INTELLECTUAL DEVELOPMENTAL DISORDER WITH DISTINCTIVE FACIAL DYSMORPHISM. Identifiers: MedGen C5394263, MONDO:0030012, OMIM 618846.

Submission:

Victorian Clinical Genetics Services, Murdoch Childrens Research Institute
Classification: Pathogenic for Diets-Jongmans syndrome. Last evaluated: 2026-02-15. Review status: criteria provided, single submitter. Criteria: ACMG Guidelines, 2015. Collection method: clinical testing. Allele origin: germline. Affected: yes.
Comment: This variant is classified as Pathogenic. Evidence in support of pathogenic classification: Variant is predicted to cause nonsense-mediated decay (NMD) and loss of protein (premature termination codon is located at least 54 nucleotides upstream of the final exon-exon junction); Variant is absent from gnomAD (v2, v3 and v4); Other NMD-predicted variant(s) comparable to the one identified in this case have very strong previous evidence for pathogenicity (DECIPHER); Additional information: This variant is heterozygous; This gene is associated with autosomal dominant disease; This variant has no previous evidence of pathogenicity; No published evidence of segregation with disease has been identified for this variant; No published functional evidence has been identified for this variant; Loss of function is a likely mechanism of disease in this gene and is associated with Diets-Jongmans syndrome (MIM#618846); Variants in this gene are known to have variable expressivity. Clinical variability in affected individuals with KDM3B variants has been observed (PMID: 30929739).

Literature cited by the submitters: PubMed 30929739.